The following is an entry in ClinVar:

ClinVar aggregate classification (germline): Pathogenic. Review status: criteria provided, multiple submitters, no conflicts (2 of 4 stars). 2 submissions from 2 submitters: Pathogenic (2). Last evaluated 2021-03-01.

Conditions:
Marfan syndrome (MFS). Also called: MARFAN SYNDROME, TYPE I; Marfan syndrome type 1; Marfan's syndrome; Marfan syndrome, classic; FBN1-Related Marfan Syndrome. Identifiers: Orphanet 284963, Orphanet 558, MedGen C0024796, MONDO:0007947, OMIM 154700.

Submissions (2):

Centre of Medical Genetics, University of Antwerp
Classification: Pathogenic for Marfan syndrome. Last evaluated: 2021-03-01. Review status: criteria provided, single submitter. Criteria: Submitter's publication. Collection method: research. Allele origin: unknown. Affected: yes.
Comment: PM2, PVS1, PP4

GeneDx
Classification: Pathogenic. Last evaluated: 2019-12-17. Review status: criteria provided, single submitter. Criteria: GeneDx Variant Classification Process June 2021. Collection method: clinical testing. Allele origin: germline. Affected: yes.
Comment: Nonsense variant predicted to result in protein truncation or nonsense mediated decay in a gene for which loss-of-function is a known mechanism of disease; Not observed [at a significant frequency] in large population cohorts (Lek et al., 2016); This variant is associated with the following publications: (PMID: 25907466)

NM_000138.5(FBN1):c.7527C>A (p.Cys2509Ter)

Gene: FBN1 (fibrillin 1; minus strand). Cytogenetic location: 15q21.1.
Variant type: single nucleotide variant.
Coding change: c.7527C>A on transcript NM_000138.5 (MANE Select); coding-DNA position 7527, C replaced by A.
Protein change: p.Cys2509Ter; replaces cysteine 2509 with a stop codon.
Molecular consequence: nonsense.
Genome position (GRCh38, 1-based): chr15:48,421,995, G>T on the plus strand (C>A on the coding strand, the complement: FBN1 is on the minus strand). VCF-style: chr15-48421995-G-T. GRCh37 (hg19) VCF-style: chr15-48714192-G-T.
Other names: short protein forms C2509*.
Identifiers: ClinVar variation 1220219 (VCV001220219.20), dbSNP rs2141222456, ClinGen allele CA392325919.
Genomic context (GRCh38, chr15:48,421,995, plus strand): 5'-TTTCCTCTCCTACTCACCAATGCAGGACGTATGGTGTTGGGTAAATCCGGGAGGACATTT[G>T]CATGTGAAGCCGCCAATGGTGTTAACACATAGGAACTGGCAGTTGTGTTGCTTGGTTGCA-3'